The following is an entry in ClinVar:

NM_001308093.3(GATA4):c.990G>C (p.Lys330Asn)

Gene: GATA4 (GATA binding protein 4). Cytogenetic location: 8p23.1.
Variant type: single nucleotide variant.
Coding change: c.990G>C on transcript NM_001308093.3 (MANE Select); coding-DNA position 990, G replaced by C.
Protein change: p.Lys330Asn; replaces lysine 330 with asparagine.
Molecular consequence: missense variant.
Genome position (GRCh38, 1-based): chr8:11,755,123, G>C. VCF-style: chr8-11755123-G-C. GRCh37 (hg19) VCF-style: chr8-11612632-G-C.
Other names: c.369G>C, p.Lys123Asn (NM_001308094.2, NM_001374273.1); c.243G>C, p.Lys81Asn (NM_001374274.1); c.987G>C, p.Lys329Asn (NM_002052.5); short protein forms K81N, K123N, K329N, K330N.
Identifiers: ClinVar variation 2113661 (VCV002113661.4), dbSNP rs2486996840, ClinGen allele CA370314567.
Genomic context (GRCh38, chr8:11,755,123, plus strand): 5'-AATGCGGAAAGAGGGGATCCAAACCAGAAAACGGAAGCCCAAGAACCTGAATAAATCTAA[G>C]ACACCAGCAGGTGAGGAAAAGATCTGTGAGTGATTATATGAGTACATCAGGAGCCCTCAG-3'
Protein context (NP_001295022.1, residues 320-340): KRKPKNLNKS[Lys330Asn]TPAAPSGSES

ClinVar aggregate classification (germline): Uncertain significance (1 of 4 stars; one submission).

Conditions:
Atrioventricular septal defect 4 (AVSD4). Identifiers: MedGen C3280781, MONDO:0013747, OMIM 614430.

Submission:

Labcorp Genetics (formerly Invitae), Labcorp
Classification: Uncertain significance for Atrioventricular septal defect 4. Last evaluated: 2022-03-31. Review status: criteria provided, single submitter. Criteria: Invitae Variant Classification Sherloc (09022015). Collection method: clinical testing. Allele origin: germline.
Comment: In summary, the available evidence is currently insufficient to determine the role of this variant in disease. Therefore, it has been classified as a Variant of Uncertain Significance. Algorithms developed to predict the effect of missense changes on protein structure and function (SIFT, PolyPhen-2, Align-GVGD) all suggest that this variant is likely to be tolerated. This missense change has been observed in individual(s) with congenital heart disease (PMID: 20450724). This variant is not present in population databases (gnomAD no frequency). This sequence change replaces lysine, which is basic and polar, with asparagine, which is neutral and polar, at codon 329 of the GATA4 protein (p.Lys329Asn).

Literature cited by the submitters: PubMed 20450724.